The following is an entry in ClinVar:

ClinVar aggregate classification (germline): Benign (1 of 4 stars; one submission).

Allele frequency attached by ClinVar (database versions not stated): gnomAD 0.05792 and 0.06204; 1000 Genomes Project 0.05931; 1000 Genomes Project 30x 0.06371; TOPMed 0.06552.
gnomAD v4.1: 8,699 of 152,154 alleles (5.7%); highest among the groups gnomAD compares: African/African-American, 20%; 867 homozygotes.

Submission:

GeneDx
Classification: Benign. Last evaluated: 2018-06-18. Review status: criteria provided, single submitter. Criteria: GeneDx Variant Classification (06012015). Collection method: clinical testing. Allele origin: germline. Affected: yes.
Comment: This variant is considered likely benign or benign based on one or more of the following criteria: it is a conservative change, it occurs at a poorly conserved position in the protein, it is predicted to be benign by multiple in silico algorithms, and/or has population frequency not consistent with disease.

NM_001130987.2(DYSF):c.5003+1380G>A

Gene: DYSF (dysferlin; plus strand). Cytogenetic location: 2p13.2.
Variant type: single nucleotide variant.
Coding change: c.5003+1380G>A on transcript NM_001130987.2 (MANE Select); 1380 bases into the intron after coding-DNA position 5003, G replaced by A.
Molecular consequence: intron variant.
Genome position (GRCh38, 1-based): chr2:71,662,031, G>A. VCF-style: chr2-71662031-G-A. GRCh37 (hg19) VCF-style: chr2-71889161-G-A.
Other names: c.4979+1380G>A (NM_001130979.2); c.5000+1380G>A (NM_001130981.2); c.4937+1380G>A (NM_001130980.2); c.4949+1380G>A (NM_001130978.2); c.4886+1380G>A (NM_003494.4); c.4907+1380G>A (NM_001130977.2); c.4844+1380G>A (NM_001130976.2); c.4982+1380G>A (NM_001130982.2); and 5 more.
Identifiers: ClinVar variation 671731 (VCV000671731.1), dbSNP rs76541882, ClinGen allele CA15201569.